The following is an entry in ClinVar:

NM_001429.4(EP300):c.4124G>T (p.Gly1375Val)

Gene: EP300 (EP300 lysine acetyltransferase; plus strand). Cytogenetic location: 22q13.2.
Variant type: single nucleotide variant.
Coding change: c.4124G>T on transcript NM_001429.4 (MANE Select); coding-DNA position 4124, G replaced by T.
Protein change: p.Gly1375Val; replaces glycine 1375 with valine.
Molecular consequence: missense variant.
Genome position (GRCh38, 1-based): chr22:41,168,819, G>T. VCF-style: chr22-41168819-G-T. GRCh37 (hg19) VCF-style: chr22-41564823-G-T.
Other names: c.4046G>T, p.Gly1349Val (NM_001362843.2); short protein forms G1349V, G1375V.
Identifiers: ClinVar variation 3765498 (VCV003765498.1).
Genomic context (GRCh38, chr22:41,168,819, plus strand): 5'-ACCGAACCAAAGCCCTCTTTGCCTTTGAAGAAATTGATGGTGTTGACCTGTGCTTCTTTG[G>T]CATGCATGTTCAAGAGTATGGCTCTGACTGCCCTCCACCCAACCAGAGGTATGACTAGCT-3'
Protein context (NP_001420.2, residues 1365-1385): EIDGVDLCFF[Gly1375Val]MHVQEYGSDC

ClinVar aggregate classification (germline): Likely pathogenic (1 of 4 stars; one submission).

Conditions:
Rubinstein-Taybi syndrome due to EP300 haploinsufficiency. Also called: EP300-Related Rubinstein-Taybi Syndrome; RUBINSTEIN-TAYBI SYNDROME 2. Identifiers: Orphanet 353284, Orphanet 783, MedGen C3150941, MONDO:0013364, OMIM 613684.

Submission:

Department of Human Genetics, Hannover Medical School
Classification: Likely pathogenic for Rubinstein-Taybi syndrome due to EP300 haploinsufficiency. Last evaluated: 2025-03-04. Review status: criteria provided, single submitter. Criteria: ACMG Guidelines, 2015. Collection method: clinical testing. Allele origin: de novo. Affected: yes.
Comment: ACMG: PS2_Supporting, PM2_Supporting, PP3_Strong